The following is an entry in ClinVar:

NM_178012.5(TUBB2B):c.895A>G (p.Met299Val)

Gene: TUBB2B (tubulin beta 2B class IIb; minus strand). Cytogenetic location: 6p25.2.
Variant type: single nucleotide variant.
Coding change: c.895A>G on transcript NM_178012.5 (MANE Select); coding-DNA position 895, A replaced by G.
Protein change: p.Met299Val; replaces methionine 299 with valine.
Molecular consequence: missense variant.
Genome position (GRCh38, 1-based): chr6:3,225,194, T>C on the plus strand (A>G on the coding strand, the complement: TUBB2B is on the minus strand). VCF-style: chr6-3225194-T-C. GRCh37 (hg19) VCF-style: chr6-3225428-T-C.
Other names: NM_178012.5:c.895A>G; short protein forms M299V.
Identifiers: ClinVar variation 3236668 (VCV003236668.2), dbSNP rs2533617234, ClinGen allele CA362586531.

ClinVar aggregate classification (germline): Uncertain significance. Review status: criteria provided, multiple submitters, no conflicts (2 of 4 stars). 2 submissions from 2 submitters: Uncertain significance (2). Last evaluated 2024-05-22.

Conditions:
Complex cortical dysplasia with other brain malformations 7. Identifiers: Orphanet 300573, MedGen C3552236, MONDO:0012399, OMIM 610031.

Submissions (2):

Broad Center for Mendelian Genomics, Broad Institute of MIT and Harvard
Classification: Uncertain significance for Complex cortical dysplasia with other brain malformations 7. Last evaluated: 2024-05-22. Review status: criteria provided, single submitter. Criteria: ACMG Guidelines, 2015. Collection method: curation. Allele origin: germline. Inheritance: Autosomal dominant inheritance.
Comment: The heterozygous p.Met299Val variant in TUBB2B was identified by our study in 4 family members with cortical dysplasia, complex, with other brain malformations 7. The variant has not been previously reported in individuals with cortical dysplasia, complex, with other brain malformations 7 and was absent from large population studies. Computational prediction tools and conservation analyses suggest that this variant may impact the protein, though this information is not predictive enough to determine pathogenicity. The number of missense variants reported in TUBB2B in the general population is lower than expected, suggesting there is little benign variation in this gene and slightly increasing the possibility that a missense variant in this gene may not be tolerated. In summary, the clinical significance of the p.Met299Val variant is uncertain. ACMG/AMP Criteria applied: PP1, PM2_Supporting, PP3_Moderate, PP2 (Richards 2015).

Laboratorio de Genetica e Diagnostico Molecular, Hospital Israelita Albert Einstein
Classification: Uncertain significance for Complex cortical dysplasia with other brain malformations 7. Last evaluated: 2024-02-22. Review status: criteria provided, single submitter. Criteria: ACMG Guidelines, 2015. Collection method: clinical testing. Allele origin: germline. Affected: yes.
Comment: ACMG classification criteria: PM2 supporting, PP2 supporting, PP3 supporting